The following is an entry in ClinVar:

ClinVar aggregate classification (germline): Uncertain significance (1 of 4 stars; one submission).

gnomAD v4.1: 1 of 1,611,126 alleles (0.000062%); highest among the groups gnomAD compares: Admixed American, 0.0017%; no homozygotes.

Submission:

Labcorp Genetics (formerly Invitae), Labcorp
Classification: Uncertain significance. Last evaluated: 2024-11-28. Review status: criteria provided, single submitter. Criteria: Invitae Variant Classification Sherloc (09022015). Collection method: clinical testing. Allele origin: germline.
Comment: This sequence change replaces alanine, which is neutral and non-polar, with glutamic acid, which is acidic and polar, at codon 779 of the TNK2 protein (p.Ala779Glu). The frequency data for this variant in the population databases is considered unreliable, as metrics indicate poor data quality at this position in the gnomAD database. This variant has not been reported in the literature in individuals affected with TNK2-related conditions. An algorithm developed to predict the effect of missense changes on protein structure and function (PolyPhen-2) suggests that this variant is likely to be tolerated. In summary, the available evidence is currently insufficient to determine the role of this variant in disease. Therefore, it has been classified as a Variant of Uncertain Significance.

NM_001382273.1(TNK2):c.2147C>A (p.Ala716Glu)

Gene: TNK2 (tyrosine kinase non receptor 2; minus strand). Cytogenetic location: 3q29.
Variant type: single nucleotide variant.
Coding change: c.2147C>A on transcript NM_001382273.1 (MANE Select); coding-DNA position 2147, C replaced by A.
Protein change: p.Ala716Glu; replaces alanine 716 with glutamic acid.
Molecular consequence: missense variant. On other transcripts: non-coding transcript variant (15).
Genome position (GRCh38, 1-based): chr3:195,868,151, G>T on the plus strand (C>A on the coding strand, the complement: TNK2 is on the minus strand). VCF-style: chr3-195868151-G-T. GRCh37 (hg19) VCF-style: chr3-195595022-G-T.
Other names: c.2198C>A, p.Ala733Glu (NM_001308046.2, NM_001382271.1); c.2219C>A, p.Ala740Glu (NM_001382272.1, NM_001010938.2); c.2147C>A, p.Ala716Glu (NM_001382274.1, NM_001387716.1, NM_001387717.1 and 1 more transcripts); c.2243C>A, p.Ala748Glu (NM_001382275.1, NM_001387707.1); c.2102C>A, p.Ala701Glu (NM_001386164.1, NM_001387719.1, NM_001387720.1 and 8 more transcripts); c.2174C>A, p.Ala725Glu (NM_001387708.1, NM_001387715.1); short protein forms A733E, A740E, A701E, A748E, A725E, A716E.
Identifiers: ClinVar variation 3674727 (VCV003674727.2).